The following is an entry in ClinVar:

ClinVar aggregate classification (germline): Likely benign. Review status: criteria provided, multiple submitters, no conflicts (2 of 4 stars). 4 submissions from 4 submitters: Likely benign (4). Last evaluated 2026-05-01.

Conditions:
Familial thoracic aortic aneurysm and aortic dissection (TAAD). Also called: Thoracic aortic aneurysms and dissections. Identifiers: Orphanet 91387, MedGen C4707243, MONDO:0019625.
Frontometaphyseal dysplasia (FMD1). Identifiers: Orphanet 1826, MedGen C0265293, MONDO:0015942.
Melnick-Needles syndrome (MNS). Also called: Melnick-Needles Syndrome (FLNA-MNS); OSTEODYSPLASTY OF MELNICK AND NEEDLES; MELNICK-NEEDLES OSTEODYSPLASTY. Identifiers: Orphanet 2484, MedGen C0025237, MONDO:0010650, OMIM 309350.
Oto-palato-digital syndrome, type II (OPD2). Also called: Otopalatodigital Syndrome Type 2 (FLNA-OPD2); Otopalatodigital Syndrome, Type II; OPD II SYNDROME; FACIOPALATOOSSEOUS SYNDROME. Identifiers: Orphanet 669, Orphanet 90652, MedGen C1844696, MONDO:0010571, OMIM 304120.
Heterotopia, periventricular, X-linked dominant (PVNH1). Also called: PERIVENTRICULAR NODULAR HETEROTOPIA 4; HETEROTOPIA, PERIVENTRICULAR, 1; PERIVENTRICULAR NODULAR HETEROTOPIA 1; X-linked periventricular heterotopia. Identifiers: Orphanet 2149, Orphanet 82004, MedGen C1848213, MONDO:0010233, OMIM 300049.

Allele frequency attached by ClinVar (database versions not stated): gnomAD exomes 0.00003 and 0.00005; TOPMed 0.00003.
gnomAD v4.1: 56 of 1,211,657 alleles (0.0046%); highest among the groups gnomAD compares: Admixed American, 0.0065%; no homozygotes.

Submissions (4):

CeGaT Center for Human Genetics Tuebingen
Classification: Likely benign. Last evaluated: 2026-05-01. Review status: criteria provided, single submitter. Criteria: CeGaT Center For Human Genetics Tuebingen Variant Classification Criteria Version 2. Collection method: clinical testing. Allele origin: germline. Affected: yes. Observed: 1 variant allele.
Comment: FLNA: BP4, BP7, BS2

Labcorp Genetics (formerly Invitae), Labcorp
Classification: Likely benign for Oto-palato-digital syndrome, type II; Heterotopia, periventricular, X-linked dominant; Frontometaphyseal dysplasia; Melnick-Needles syndrome. Last evaluated: 2025-11-28. Review status: criteria provided, single submitter. Criteria: Invitae Variant Classification Sherloc (09022015). Collection method: clinical testing. Allele origin: germline.

Ambry Genetics
Classification: Likely benign for Familial thoracic aortic aneurysm and aortic dissection. Last evaluated: 2017-08-05. Review status: criteria provided, single submitter. Criteria: Ambry Variant Classification Scheme 2023. Collection method: clinical testing. Allele origin: germline.

GeneDx
Classification: Likely benign. Last evaluated: 2016-01-21. Review status: criteria provided, single submitter. Criteria: GeneDx Variant Classification (06012015). Collection method: clinical testing. Allele origin: germline. Affected: yes.
Comment: This variant is considered likely benign or benign based on one or more of the following criteria: it is a conservative change, it occurs at a poorly conserved position in the protein, it is predicted to be benign by multiple in silico algorithms, and/or has population frequency not consistent with disease.

NM_001110556.2(FLNA):c.5475C>T (p.Asp1825=)

Gene: FLNA (filamin A; minus strand). Cytogenetic location: Xq28.
Variant type: single nucleotide variant.
Coding change: c.5475C>T on transcript NM_001110556.2 (MANE Select); coding-DNA position 5475, C replaced by T.
Protein change: p.Asp1825=; no amino-acid change (aspartic acid 1825 retained).
Molecular consequence: synonymous variant.
Genome position (GRCh38, 1-based): chrX:154,354,233, G>A on the plus strand (C>T on the coding strand, the complement: FLNA is on the minus strand). VCF-style: chrX-154354233-G-A. GRCh37 (hg19) VCF-style: chrX-153582601-G-A.
Other names: c.5451C>T, p.Asp1817= (NM_001456.4).
Identifiers: ClinVar variation 382771 (VCV000382771.15), dbSNP rs1057521451, ClinGen allele CA16608327.